The following is an entry in ClinVar:

NM_198576.4(AGRN):c.4066A>C (p.Ser1356Arg)

Gene: AGRN (agrin; plus strand). Cytogenetic location: 1p36.33.
Variant type: single nucleotide variant.
Coding change: c.4066A>C on transcript NM_198576.4 (MANE Select); coding-DNA position 4066, A replaced by C.
Protein change: p.Ser1356Arg; replaces serine 1356 with arginine.
Molecular consequence: missense variant.
Genome position (GRCh38, 1-based): chr1:1,048,326, A>C. VCF-style: chr1-1048326-A-C. GRCh37 (hg19) VCF-style: chr1-983706-A-C.
Other names: c.4066A>C, p.Ser1356Arg (NM_001305275.2); c.3751A>C, p.Ser1251Arg (NM_001364727.2); short protein forms S1251R, S1356R.
Identifiers: ClinVar variation 1498952 (VCV001498952.6), dbSNP rs753847571, ClinGen allele CA509306.

ClinVar aggregate classification (germline): Uncertain significance (1 of 4 stars; one submission).

Conditions:
Congenital myasthenic syndrome 8. Also called: MYASTHENIC SYNDROME, CONGENITAL, DUE TO AGRIN DEFICIENCY; Myasthenic syndrome, congenital, 8, with pre- and postsynaptic defects. Identifiers: Orphanet 590, MedGen C3808739, MONDO:0014052, OMIM 615120.

Allele frequency attached by ClinVar (database versions not stated): gnomAD 0.00001; TOPMed 0.00001.
gnomAD v4.1: 6 of 1,478,494 alleles (0.00041%); highest among the groups gnomAD compares: Non-Finnish European, 0.00054%; no homozygotes.

Submission:

Labcorp Genetics (formerly Invitae), Labcorp
Classification: Uncertain significance for Congenital myasthenic syndrome 8. Last evaluated: 2021-10-21. Review status: criteria provided, single submitter. Criteria: Invitae Variant Classification Sherloc (09022015). Collection method: clinical testing. Allele origin: germline.
Comment: This sequence change replaces serine with arginine at codon 1356 of the AGRN protein (p.Ser1356Arg). The serine residue is moderately conserved and there is a moderate physicochemical difference between serine and arginine. In summary, the available evidence is currently insufficient to determine the role of this variant in disease. Therefore, it has been classified as a Variant of Uncertain Significance. Algorithms developed to predict the effect of missense changes on protein structure and function output the following: SIFT: "Tolerated"; PolyPhen-2: "Benign"; Align-GVGD: "Class C0". The arginine amino acid residue is found in multiple mammalian species, suggesting that this missense change does not adversely affect protein function. These predictions have not been confirmed by published functional studies and their clinical significance is uncertain. This variant has not been reported in the literature in individuals with AGRN-related conditions. The frequency data for this variant in the population databases is considered unreliable, as metrics indicate poor data quality at this position in the ExAC database.